The following is an entry in ClinVar:

NM_016507.4(CDK12):c.3074T>C (p.Leu1025Pro)

Gene: CDK12 (cyclin dependent kinase 12; plus strand). Cytogenetic location: 17q12.
Variant type: single nucleotide variant.
Coding change: c.3074T>C on transcript NM_016507.4 (MANE Select); coding-DNA position 3074, T replaced by C.
Protein change: p.Leu1025Pro; replaces leucine 1025 with proline.
Molecular consequence: missense variant.
Genome position (GRCh38, 1-based): chr17:39,520,066, T>C. VCF-style: chr17-39520066-T-C. GRCh37 (hg19) VCF-style: chr17-37676319-T-C.
Other names: c.3074T>C, p.Leu1025Pro (NM_015083.4); short protein forms L1025P.
Identifiers: ClinVar variation 3999500 (VCV003999500.1).
Genomic context (GRCh38, chr17:39,520,066, plus strand): 5'-CTAGTAAGCGGTGCACAGCTGAACAGACCCTACAGAGCGACTTCCTTAAAGATGTCGAAC[T>C]CAGCAAAATGGCTCCTCCAGAGTAAGTGCTGGTAGCCATGTTGTGACCCTAAATCTTTCC-3'
Protein context (NP_057591.2, residues 1015-1035): LQSDFLKDVE[Leu1025Pro]SKMAPPDLPH

ClinVar aggregate classification (germline): Uncertain significance (1 of 4 stars; one submission).

Submission:

Ambry Genetics
Classification: Uncertain significance. Last evaluated: 2025-05-26. Review status: criteria provided, single submitter. Criteria: Ambry Variant Classification Scheme 2023. Collection method: clinical testing. Allele origin: germline.
Comment: The p.L1025P variant (also known as c.3074T>C), located in coding exon 11 of the CDK12 gene, results from a T to C substitution at nucleotide position 3074. The leucine at codon 1025 is replaced by proline, an amino acid with similar properties. This amino acid position is conserved. In addition, this alteration is predicted to be tolerated by in silico analysis. Based on the available evidence, the clinical significance of this variant remains unclear.